The following is an entry in ClinVar:

ClinVar aggregate classification (germline): Likely pathogenic (1 of 4 stars; one submission).

Submission:

GeneDx
Classification: Likely pathogenic. Last evaluated: 2020-01-06. Review status: criteria provided, single submitter. Criteria: GeneDx Variant Classification Process June 2021. Collection method: clinical testing. Allele origin: germline. Affected: yes.
Comment: Not observed in large population cohorts (Lek et al., 2016); The majority of missense variants in this gene are considered pathogenic (Stenson et al., 2014); In silico analysis, which includes protein predictors and evolutionary conservation, supports a deleterious effect; Has not been previously published as pathogenic or benign to our knowledge

NM_003334.4(UBA1):c.1660C>T (p.Pro554Ser)

Gene: UBA1 (ubiquitin like modifier activating enzyme 1; plus strand). Cytogenetic location: Xp11.3.
Variant type: single nucleotide variant.
Coding change: c.1660C>T on transcript NM_003334.4 (MANE Select); coding-DNA position 1660, C replaced by T.
Protein change: p.Pro554Ser; replaces proline 554 with serine.
Molecular consequence: missense variant.
Genome position (GRCh38, 1-based): chrX:47,206,032, C>T. VCF-style: chrX-47206032-C-T. GRCh37 (hg19) VCF-style: chrX-47065431-C-T.
Other names: c.1660C>T, p.Pro554Ser (NM_153280.3); short protein forms P554S.
Identifiers: ClinVar variation 1318544 (VCV001318544.2), dbSNP rs2147273055, ClinGen allele CA412801615.